The following is an entry in ClinVar:

NM_058195.4(CDKN2A):c.193+9G>C

Gene: CDKN2A (cyclin dependent kinase inhibitor 2A; minus strand). Cytogenetic location: 9p21.3.
Variant type: single nucleotide variant.
Coding change: c.193+9G>C on transcript NM_058195.4 (MANE Plus Clinical); 9 bases into the intron after coding-DNA position 193, G replaced by C.
Molecular consequence: intron variant.
Genome position (GRCh38, 1-based): chr9:21,994,130, C>G on the plus strand (G>C on the coding strand, the complement: CDKN2A is on the minus strand). VCF-style: chr9-21994130-C-G. GRCh37 (hg19) VCF-style: chr9-21994129-C-G.
Other names: c.-4+691G>C (NM_001363763.2).
Identifiers: ClinVar variation 1094339 (VCV001094339.6), dbSNP rs965897956, ClinGen allele CA190745851.

ClinVar aggregate classification (germline): Likely benign. Review status: criteria provided, multiple submitters, no conflicts (2 of 4 stars). 2 submissions from 2 submitters: Likely benign (2). Last evaluated 2025-08-12.

Conditions:
Melanoma-pancreatic cancer syndrome. Identifiers: Orphanet 404560, MedGen C1838547, MONDO:0011713, OMIM 606719. Disease mechanism: loss of function.
Familial melanoma. Also called: Hereditary melanoma; Hereditary cutaneous melanoma. Identifiers: Orphanet 618, MedGen C1512419, MONDO:0018961.

Allele frequency attached by ClinVar (database versions not stated): gnomAD exomes below 0.00001; TOPMed 0.00001.
gnomAD v4.1: 2 of 1,600,162 alleles (0.00012%); highest among the groups gnomAD compares: Non-Finnish European, 0.00017%; no homozygotes.

Submissions (2):

Myriad Genetics, Inc.
Classification: Likely benign for Melanoma-pancreatic cancer syndrome. Last evaluated: 2025-08-12. Review status: criteria provided, single submitter. Criteria: Myriad Autosomal Dominant, Autosomal Recessive and X-Linked Classification Criteria (2023). Collection method: clinical testing. Allele origin: unknown.
Comment: This variant is considered likely benign. This variant is intronic and is not expected to impact mRNA splicing.

Labcorp Genetics (formerly Invitae), Labcorp
Classification: Likely benign for Familial melanoma. Last evaluated: 2021-08-06. Review status: criteria provided, single submitter. Criteria: Invitae Variant Classification Sherloc (09022015). Collection method: clinical testing. Allele origin: germline.